The following is an entry in ClinVar:

NM_004385.5(VCAN):c.8622G>A (p.Ala2874=)

Genes: VCAN (versican; plus strand), VCAN-AS1 (VCAN antisense RNA 1; minus strand). Cytogenetic location: 5q14.3.
Variant type: single nucleotide variant.
Coding change: c.8622G>A on transcript NM_004385.5 (MANE Select); coding-DNA position 8622, G replaced by A.
Protein change: p.Ala2874=; no amino-acid change (alanine 2874 retained).
Molecular consequence: synonymous variant. On other transcripts: intron variant (2).
Genome position (GRCh38, 1-based): chr5:83,541,625, G>A. VCF-style: chr5-83541625-G-A. GRCh37 (hg19) VCF-style: chr5-82837444-G-A.
Other names: c.5661G>A, p.Ala1887= (NM_001164097.2); c.4004-3912G>A (NM_001164098.2); c.1043-3912G>A (NM_001126336.3).
Identifiers: ClinVar variation 198799 (VCV000198799.24), dbSNP rs3096171, ClinGen allele CA203614.

ClinVar aggregate classification (germline): Benign/Likely benign. Review status: criteria provided, multiple submitters, no conflicts (2 of 4 stars). 7 submissions from 7 submitters: Benign (5); Likely benign (2). Last evaluated 2026-01-26.

Conditions:
Wagner disease. Also called: HYALOIDEORETINAL DEGENERATION OF WAGNER; WAGNER SYNDROME 1; Wagner syndrome; WAGNER VITREORETINOPATHY; Wagner Vitreoretinal Degeneration (Wagner Synrdome); WAGNER VITREORETINAL DEGENERATION. Identifiers: Orphanet 898, MedGen C1840452, MONDO:0007740, OMIM 143200.
Vitreoretinopathy. Also called: Vitreoretinal degeneration. Identifiers: MedGen C0344290, MONDO:0020248, HP:0007773.

Allele frequency attached by ClinVar (database versions not stated): gnomAD exomes 0.00118 and 0.00306; ExAC 0.00379; gnomAD 0.01155 and 0.01237; TOPMed 0.01312; ESP Exome Variant Server 0.01338; 1000 Genomes Project 0.01458; 1000 Genomes Project 30x 0.01593.
gnomAD v4.1: 3,550 of 1,613,724 alleles (0.22%); highest among the groups gnomAD compares: African/African-American, 3.9%; 65 homozygotes.

Submissions (7):

Labcorp Genetics (formerly Invitae), Labcorp
Classification: Benign. Last evaluated: 2026-01-26. Review status: criteria provided, single submitter. Criteria: Invitae Variant Classification Sherloc (09022015). Collection method: clinical testing. Allele origin: germline.

ARUP Laboratories, Molecular Genetics and Genomics, ARUP Laboratories
Classification: Benign for Wagner disease. Last evaluated: 2023-11-22. Review status: criteria provided, single submitter. Criteria: ARUP Molecular Germline Variant Investigation Process 2024. Collection method: clinical testing. Allele origin: germline.

GeneDx
Classification: Likely benign. Last evaluated: 2018-09-24. Review status: criteria provided, single submitter. Criteria: GeneDx Variant Classification Process June 2021. Collection method: clinical testing. Allele origin: germline. Affected: yes.

Illumina Laboratory Services, Illumina
Classification: Benign for Vitreoretinopathy. Last evaluated: 2018-01-12. Review status: criteria provided, single submitter. Criteria: ICSL Variant Classification Criteria 13 December 2019. Collection method: clinical testing. Allele origin: germline.
Comment: This variant was observed in the ICSL laboratory as part of a predisposition screen in an ostensibly healthy population. It had not been previously curated by ICSL or reported in the Human Gene Mutation Database (HGMD: prior to June 1st, 2018), and was therefore a candidate for classification through an automated scoring system. Utilizing variant allele frequency, disease prevalence and penetrance estimates, and inheritance mode, an automated score was calculated to assess if this variant is too frequent to cause the disease. Based on the score and internal cut-off values, a variant classified as benign is not then subjected to further curation. The score for this variant resulted in a classification of benign for this disease.

Eurofins Ntd Llc (ga)
Classification: Benign. Last evaluated: 2014-06-20. Review status: criteria provided, single submitter. Criteria: EGL Classification Definitions 2015. Collection method: clinical testing. Allele origin: germline. Observed: 1 variant allele, 1 heterozygote.

Breakthrough Genomics
Classification: Likely benign. Review status: criteria provided, single submitter. Criteria: ACMG Guidelines, 2015. Collection method: not provided. Allele origin: germline. Inheritance: Autosomal dominant inheritance. Affected: yes.

PreventionGenetics, part of Exact Sciences
Classification: Benign. Review status: criteria provided, single submitter. Criteria: ACMG Guidelines, 2015. Collection method: clinical testing. Allele origin: germline.